The following is an entry in ClinVar:

NM_020320.5(RARS2):c.588C>T (p.Ser196=)

Gene: RARS2 (arginyl-tRNA synthetase 2, mitochondrial; minus strand). Cytogenetic location: 6q15.
Variant type: single nucleotide variant.
Coding change: c.588C>T on transcript NM_020320.5 (MANE Select); coding-DNA position 588, C replaced by T.
Protein change: p.Ser196=; no amino-acid change (serine 196 retained).
Molecular consequence: synonymous variant. On other transcripts: non-coding transcript variant (18).
Genome position (GRCh38, 1-based): chr6:87,541,942, G>A on the plus strand (C>T on the coding strand, the complement: RARS2 is on the minus strand). VCF-style: chr6-87541942-G-A. GRCh37 (hg19) VCF-style: chr6-88251660-G-A.
Other names: c.63C>T, p.Ser21= (NM_001318785.2, NM_001350506.2, NM_001350507.2 and 4 more transcripts); c.588C>T, p.Ser196= (NM_001350505.2).
Identifiers: ClinVar variation 389204 (VCV000389204.8), dbSNP rs1057523360, ClinGen allele CA16605168.

ClinVar aggregate classification (germline): Likely benign. Review status: criteria provided, multiple submitters, no conflicts (2 of 4 stars). 2 submissions from 2 submitters: Likely benign (2). Last evaluated 2021-12-02.

Allele frequency attached by ClinVar (database versions not stated): TOPMed below 0.00001.

Submissions (2):

Labcorp Genetics (formerly Invitae), Labcorp
Classification: Likely benign. Last evaluated: 2021-12-02. Review status: criteria provided, single submitter. Criteria: Invitae Variant Classification Sherloc (09022015). Collection method: clinical testing. Allele origin: germline.

GeneDx
Classification: Likely benign. Last evaluated: 2016-09-27. Review status: criteria provided, single submitter. Criteria: GeneDx Variant Classification (06012015). Collection method: clinical testing. Allele origin: germline. Affected: yes.
Comment: This variant is considered likely benign or benign based on one or more of the following criteria: it is a conservative change, it occurs at a poorly conserved position in the protein, it is predicted to be benign by multiple in silico algorithms, and/or has population frequency not consistent with disease.